The following is an entry in ClinVar:

NM_016239.4(MYO15A):c.4875+3G>A

Gene: MYO15A (myosin XVA; plus strand). Cytogenetic location: 17p11.2.
Variant type: single nucleotide variant.
Coding change: c.4875+3G>A on transcript NM_016239.4 (MANE Select); 3 bases into the intron after coding-DNA position 4875, G replaced by A.
Molecular consequence: intron variant.
Genome position (GRCh38, 1-based): chr17:18,137,682, G>A. VCF-style: chr17-18137682-G-A. GRCh37 (hg19) VCF-style: chr17-18040996-G-A.
Identifiers: ClinVar variation 1206788 (VCV001206788.6), dbSNP rs200246472, ClinGen allele CA8424055.

ClinVar aggregate classification (germline): Conflicting classifications of pathogenicity. Review status: criteria provided, conflicting classifications (1 of 4 stars). 2 submissions from 2 submitters: Uncertain significance (1); Likely benign (1). Last evaluated 2022-02-02.

Allele frequency attached by ClinVar (database versions not stated): TOPMed 0.00010; ExAC 0.00011; gnomAD exomes 0.00011 and 0.00019; gnomAD 0.00012 and 0.00014; ESP Exome Variant Server 0.00016.
gnomAD v4.1: 289 of 1,613,780 alleles (0.018%); highest among the groups gnomAD compares: Non-Finnish European, 0.023%; no homozygotes.

Submissions (2):

Labcorp Genetics (formerly Invitae), Labcorp
Classification: Uncertain significance. Last evaluated: 2022-02-02. Review status: criteria provided, single submitter. Criteria: Invitae Variant Classification Sherloc (09022015). Collection method: clinical testing. Allele origin: germline.
Comment: This sequence change falls in intron 16 of the MYO15A gene. It does not directly change the encoded amino acid sequence of the MYO15A protein. It affects a nucleotide within the consensus splice site. This variant is present in population databases (rs200246472, gnomAD 0.02%). This variant has not been reported in the literature in individuals affected with MYO15A-related conditions. ClinVar contains an entry for this variant (Variation ID: 1206788). Variants that disrupt the consensus splice site are a relatively common cause of aberrant splicing (PMID: 17576681, 9536098). Algorithms developed to predict the effect of sequence changes on RNA splicing suggest that this variant may create or strengthen a splice site. In summary, the available evidence is currently insufficient to determine the role of this variant in disease. Therefore, it has been classified as a Variant of Uncertain Significance.

GeneDx
Classification: Likely benign. Last evaluated: 2020-03-27. Review status: criteria provided, single submitter. Criteria: GeneDx Variant Classification Process June 2021. Collection method: clinical testing. Allele origin: germline. Affected: yes.

Literature cited by the submitters: PubMed 17576681 (cited by Labcorp Genetics (formerly Invitae), Labcorp); PubMed 9536098 (cited by Labcorp Genetics (formerly Invitae), Labcorp).